The following is an entry in ClinVar:

ClinVar aggregate classification (germline): Uncertain significance (1 of 4 stars; one submission).

Allele frequency attached by ClinVar (database versions not stated): gnomAD exomes below 0.00001.
gnomAD v4.1: 1 of 1,611,264 alleles (0.000062%); highest among the groups gnomAD compares: Non-Finnish European, 0.000085%; no homozygotes.

Submission:

GeneDx
Classification: Uncertain significance. Last evaluated: 2022-01-14. Review status: criteria provided, single submitter. Criteria: GeneDx Variant Classification Process June 2021. Collection method: clinical testing. Allele origin: germline. Affected: yes.
Comment: Not observed at significant frequency in large population cohorts (gnomAD); In silico analysis supports that this missense variant has a deleterious effect on protein structure/function; Has not been previously published as pathogenic or benign to our knowledge

NM_014712.3(SETD1A):c.2051C>T (p.Thr684Ile)

Gene: SETD1A (SET domain containing 1A, histone lysine methyltransferase; plus strand). Cytogenetic location: 16p11.2.
Variant type: single nucleotide variant.
Coding change: c.2051C>T on transcript NM_014712.3 (MANE Select); coding-DNA position 2051, C replaced by T.
Protein change: p.Thr684Ile; replaces threonine 684 with isoleucine.
Molecular consequence: missense variant.
Genome position (GRCh38, 1-based): chr16:30,965,932, C>T. VCF-style: chr16-30965932-C-T. GRCh37 (hg19) VCF-style: chr16-30977253-C-T.
Other names: short protein forms T684I.
Identifiers: ClinVar variation 1698119 (VCV001698119.2), dbSNP rs2143501814, ClinGen allele CA395657389.
Genomic context (GRCh38, chr16:30,965,932, plus strand): 5'-AGCTCATGGACCGACTTGGGGCTCAGTGGGGAGGGATGCCCATGTCCTTCCAGATGCAGA[C>T]CCAGATGTTAACTCGGCTCCATCAGCTGCGGCAGGGCAAGGGATTGATTGCCGCCTCAGC-3'
Protein context (NP_055527.1, residues 674-694): GGMPMSFQMQ[Thr684Ile]QMLTRLHQLR